The following is an entry in ClinVar:

ClinVar aggregate classification (germline): Uncertain significance (1 of 4 stars; one submission).

Submission:

GeneDx
Classification: Uncertain significance. Last evaluated: 2025-01-10. Review status: criteria provided, single submitter. Criteria: GeneDx Variant Classification Process June 2021. Collection method: clinical testing. Allele origin: germline. Affected: yes.
Comment: Not observed at significant frequency in large population cohorts (gnomAD); Alters the last nucleotide of the exon and is predicted to damage the splice donor site but the effect on protein function is unclear; In silico analysis supports that this missense variant has a deleterious effect on protein structure/function; Has not been previously published as pathogenic or benign to our knowledge

NM_020987.5(ANK3):c.2614G>C (p.Gly872Arg)

Gene: ANK3 (ankyrin 3; minus strand). Cytogenetic location: 10q21.2.
Variant type: single nucleotide variant.
Coding change: c.2614G>C on transcript NM_020987.5 (MANE Select); coding-DNA position 2614, G replaced by C.
Protein change: p.Gly872Arg; replaces glycine 872 with arginine.
Molecular consequence: missense variant.
Genome position (GRCh38, 1-based): chr10:60,166,591, C>G on the plus strand (G>C on the coding strand, the complement: ANK3 is on the minus strand). VCF-style: chr10-60166591-C-G. GRCh37 (hg19) VCF-style: chr10-61926349-C-G.
Other names: c.2596G>C, p.Gly866Arg (NM_001204403.2); c.2563G>C, p.Gly855Arg (NM_001204404.2); c.2614G>C, p.Gly872Arg (NM_001320874.2); short protein forms G855R, G866R, G872R.
Identifiers: ClinVar variation 4057028 (VCV004057028.1).